The following is an entry in ClinVar:

ClinVar aggregate classification (germline): Uncertain significance (1 of 4 stars; one submission).

Conditions:
Charcot-Marie-Tooth disease type 2. Also called: Charcot-Marie-Tooth type 2. Identifiers: Orphanet 64746, MedGen C0270914, MONDO:0018993.

Submission:

Labcorp Genetics (formerly Invitae), Labcorp
Classification: Uncertain significance for Charcot-Marie-Tooth disease type 2. Last evaluated: 2021-06-16. Review status: criteria provided, single submitter. Criteria: Invitae Variant Classification Sherloc (09022015). Collection method: clinical testing. Allele origin: germline.
Comment: In summary, the available evidence is currently insufficient to determine the role of this variant in disease. Therefore, it has been classified as a Variant of Uncertain Significance. Algorithms developed to predict the effect of missense changes on protein structure and function are either unavailable or do not agree on the potential impact of this missense change (SIFT: "Deleterious"; PolyPhen-2: "Probably Damaging"; Align-GVGD: "Class C15"). This variant has not been reported in the literature in individuals with LMNA-related conditions. This variant is not present in population databases (ExAC no frequency). This sequence change replaces aspartic acid with asparagine at codon 370 of the LMNA protein (p.Asp370Asn). The aspartic acid residue is highly conserved and there is a small physicochemical difference between aspartic acid and asparagine.

NM_170707.4(LMNA):c.1108G>A (p.Asp370Asn)

Gene: LMNA (lamin A/C; plus strand). Cytogenetic location: 1q22.
Variant type: single nucleotide variant.
Coding change: c.1108G>A on transcript NM_170707.4 (MANE Select); coding-DNA position 1108, G replaced by A.
Protein change: p.Asp370Asn; replaces aspartic acid 370 with asparagine.
Molecular consequence: missense variant.
Genome position (GRCh38, 1-based): chr1:156,136,072, G>A. VCF-style: chr1-156136072-G-A. GRCh37 (hg19) VCF-style: chr1-156105863-G-A.
Other names: c.772G>A, p.Asp258Asn (NM_001257374.3); c.865G>A, p.Asp289Asn (NM_001282624.2); c.1108G>A, p.Asp370Asn (NM_001282625.2, NM_001282626.2, NM_005572.4 and 1 more transcripts); short protein forms D370N, D258N, D289N.
Identifiers: ClinVar variation 1422872 (VCV001422872.8), dbSNP rs2102888147, ClinGen allele CA342820458.